The following is an entry in ClinVar:

NM_182961.4(SYNE1):c.10037C>A (p.Ser3346Tyr)

Gene: SYNE1 (spectrin repeat containing nuclear envelope protein 1; minus strand). Cytogenetic location: 6q25.2.
Variant type: single nucleotide variant.
Coding change: c.10037C>A on transcript NM_182961.4 (MANE Select); coding-DNA position 10037, C replaced by A.
Protein change: p.Ser3346Tyr; replaces serine 3346 with tyrosine.
Molecular consequence: missense variant.
Genome position (GRCh38, 1-based): chr6:152,364,955, G>T on the plus strand (C>A on the coding strand, the complement: SYNE1 is on the minus strand). VCF-style: chr6-152364955-G-T. GRCh37 (hg19) VCF-style: chr6-152686090-G-T.
Other names: c.10058C>A, p.Ser3353Tyr (NM_033071.5); short protein forms S3346Y, S3353Y.
Identifiers: ClinVar variation 198335 (VCV000198335.75), dbSNP rs150170988, ClinGen allele CA203369.

ClinVar aggregate classification (germline): Benign/Likely benign. Review status: criteria provided, multiple submitters, no conflicts (2 of 4 stars). 15 submissions from 14 submitters: Benign (5); Likely benign (7). 3 of the submissions do not count toward it. Last evaluated 2026-08-01.

Conditions:
Arthrogryposis multiplex congenita 3, myogenic type. Also called: ARTHROGRYPOSIS MULTIPLEX CONGENITA, MYOGENIC TYPE. Identifiers: MedGen C5193121, MONDO:0032778, OMIM 618484.
Emery-Dreifuss muscular dystrophy 4, autosomal dominant (EDMD4). Also called: EMERY-DREIFUSS MUSCULAR DYSTROPHY 4 WITH VARIABLE FEATURES. Identifiers: Orphanet 261, MedGen C2751807, MONDO:0013071, OMIM 612998.
Autosomal recessive ataxia, Beauce type. Also called: SYNE1 Deficiency; ATAXIA, RECESSIVE, OF BEAUCE; Spinocerebellar ataxia, autosomal recessive 8; SYNE1-Related Autosomal Recessive Cerebellar Ataxia. Identifiers: Orphanet 88644, MedGen C1853116, MONDO:0012549, OMIM 610743.
SYNE1-related disorder. Also called: SYNE1-related disease; SYNE1-related condition; SYNE1-related disorders.

Allele frequency attached by ClinVar (database versions not stated): 1000 Genomes Project 0.00200; 1000 Genomes Project 30x 0.00203; TOPMed 0.00363; gnomAD exomes 0.00373 and 0.00614; gnomAD 0.00390 and 0.00396; ExAC 0.00432; ESP Exome Variant Server 0.00461.
gnomAD v4.1: 9,454 of 1,614,202 alleles (0.59%); highest among the groups gnomAD compares: Non-Finnish European, 0.72%; 39 homozygotes.

Submissions (15):

CeGaT Center for Human Genetics Tuebingen
Classification: Likely benign. Last evaluated: 2026-08-01. Review status: criteria provided, single submitter. Criteria: CeGaT Center For Human Genetics Tuebingen Variant Classification Criteria Version 2. Collection method: clinical testing. Allele origin: germline. Affected: yes. Observed: 24 variant alleles.
Comment: SYNE1: BP4, BS2

Labcorp Genetics (formerly Invitae), Labcorp
Classification: Likely benign for Emery-Dreifuss muscular dystrophy 4, autosomal dominant; Autosomal recessive ataxia, Beauce type. Last evaluated: 2026-01-24. Review status: criteria provided, single submitter. Criteria: Invitae Variant Classification Sherloc (09022015). Collection method: clinical testing. Allele origin: germline.

Genomic Medicine Center of Excellence, King Faisal Specialist Hospital and Research Centre
Classification: Likely benign. Last evaluated: 2025-08-18. Review status: criteria provided, single submitter. Criteria: ACMG Guidelines, 2015. Collection method: clinical testing. Allele origin: germline.

Women's Health and Genetics/Laboratory Corporation of America, LabCorp
Classification: Likely benign. Last evaluated: 2025-07-30. Review status: criteria provided, single submitter. Criteria: LabCorp Variant Classification Summary - May 2015. Collection method: clinical testing. Allele origin: germline.
Comment: Variant summary: SYNE1 c.10058C>A (p.Ser3353Tyr) results in a non-conservative amino acid change in the encoded protein sequence. Algorithms developed to predict the effect of missense changes on protein structure and function are either unavailable or do not agree on the potential impact of this missense change. The variant allele was found at a frequency of 0.0037 in 251488 control chromosomes in the gnomAD database, including 4 homozygotes. The observed variant frequency is approximately 3.34 fold of the estimated maximal expected allele frequency for a pathogenic variant in SYNE1 causing Autosomal recessive ataxia, Beauce type phenotype (0.0011). To our knowledge, no occurrence of c.10058C>A in individuals affected with Autosomal recessive ataxia, Beauce type and no experimental evidence demonstrating its impact on protein function have been reported. ClinVar contains an entry for this variant (Variation ID: 198335). Based on the evidence outlined above, the variant was classified as likely benign.

ARUP Laboratories, Molecular Genetics and Genomics, ARUP Laboratories
Classification: Likely benign. Last evaluated: 2023-11-29. Review status: criteria provided, single submitter. Criteria: ARUP Molecular Germline Variant Investigation Process 2024. Collection method: clinical testing. Allele origin: germline.

Fulgent Genetics
Classification: Likely benign for Autosomal recessive ataxia, Beauce type; Emery-Dreifuss muscular dystrophy 4, autosomal dominant; Arthrogryposis multiplex congenita 3, myogenic type. Last evaluated: 2022-05-17. Review status: criteria provided, single submitter. Criteria: ACMG Guidelines, 2015. Collection method: clinical testing. Allele origin: unknown.

Mayo Clinic Laboratories, Mayo Clinic
Classification: Benign. Last evaluated: 2018-11-28. Review status: criteria provided, single submitter. Criteria: ACMG Guidelines, 2015. Collection method: clinical testing. Allele origin: germline. Observed: 21 variant alleles.

Illumina Laboratory Services, Illumina
Classification: Benign for Emery-Dreifuss muscular dystrophy 4, autosomal dominant. Last evaluated: 2018-01-13. Review status: criteria provided, single submitter. Criteria: ICSL Variant Classification Criteria 13 December 2019. Collection method: clinical testing. Allele origin: germline.
Comment: This variant was observed in the ICSL laboratory as part of a predisposition screen in an ostensibly healthy population. It had not been previously curated by ICSL or reported in the Human Gene Mutation Database (HGMD: prior to June 1st, 2018), and was therefore a candidate for classification through an automated scoring system. Utilizing variant allele frequency, disease prevalence and penetrance estimates, and inheritance mode, an automated score was calculated to assess if this variant is too frequent to cause the disease. Based on the score and internal cut-off values, a variant classified as benign is not then subjected to further curation. The score for this variant resulted in a classification of benign for this disease.

Illumina Laboratory Services, Illumina
Classification: Likely benign for Autosomal recessive ataxia, Beauce type. Last evaluated: 2018-01-13. Review status: criteria provided, single submitter. Criteria: ICSL Variant Classification Criteria 13 December 2019. Collection method: clinical testing. Allele origin: germline.
Comment: This variant was observed in the ICSL laboratory as part of a predisposition screen in an ostensibly healthy population. It had not been previously curated by ICSL or reported in the Human Gene Mutation Database (HGMD: prior to June 1st, 2018), and was therefore a candidate for classification through an automated scoring system. Utilizing variant allele frequency, disease prevalence and penetrance estimates, and inheritance mode, an automated score was calculated to assess if this variant is too frequent to cause the disease. Based on the score and internal cut-off values, a variant classified as likely benign is not then subjected to further curation. The score for this variant resulted in a classification of likely benign for this disease.

Athena Diagnostics
Classification: Benign. Last evaluated: 2017-09-21. Review status: criteria provided, single submitter. Criteria: Athena Diagnostics Criteria. Collection method: clinical testing. Allele origin: germline.

GeneDx
Classification: Benign. Last evaluated: 2017-04-12. Review status: criteria provided, single submitter. Criteria: GeneDx Variant Classification (06012015). Collection method: clinical testing. Allele origin: germline. Affected: yes.
Comment: This variant is considered likely benign or benign based on one or more of the following criteria: it is a conservative change, it occurs at a poorly conserved position in the protein, it is predicted to be benign by multiple in silico algorithms, and/or has population frequency not consistent with disease.

Eurofins Ntd Llc (ga)
Classification: Benign. Last evaluated: 2015-02-18. Review status: criteria provided, single submitter. Criteria: EGL Classification Definitions 2015. Collection method: clinical testing. Allele origin: germline. Observed: 4 variant alleles, 4 heterozygotes.

PreventionGenetics, part of Exact Sciences
Classification: Benign for SYNE1-related condition. Last evaluated: 2020-04-27. Review status: no assertion criteria provided. Collection method: clinical testing. Allele origin: germline. Not counted in ClinVar's aggregate classification.
Comment: This variant is classified as benign based on ACMG/AMP sequence variant interpretation guidelines (Richards et al. 2015 PMID: 25741868, with internal and published modifications).

Clinical Genetics DNA and cytogenetics Diagnostics Lab, Erasmus MC, Erasmus Medical Center
Classification: Likely benign. Review status: no assertion criteria provided. Collection method: clinical testing. Allele origin: germline. Affected: yes. Study: VKGL Data-share Consensus. Not counted in ClinVar's aggregate classification.

Laboratory of Diagnostic Genome Analysis, Leiden University Medical Center (LUMC)
Classification: Likely benign. Review status: no assertion criteria provided. Collection method: clinical testing. Allele origin: germline. Affected: yes. Study: VKGL Data-share Consensus. Not counted in ClinVar's aggregate classification.